The following is an entry in ClinVar:

NM_006017.3(PROM1):c.3G>A (p.Met1Ile)

Gene: PROM1 (prominin 1; minus strand). Cytogenetic location: 4p15.32.
Variant type: single nucleotide variant.
Coding change: c.3G>A on transcript NM_006017.3 (MANE Select); coding-DNA position 3, G replaced by A.
Protein change: p.Met1Ile; changes the start codon (methionine 1).
Molecular consequence: missense variant, initiator codon variant.
Genome position (GRCh38, 1-based): chr4:16,075,904, C>T on the plus strand (G>A on the coding strand, the complement: PROM1 is on the minus strand). VCF-style: chr4-16075904-C-T. GRCh37 (hg19) VCF-style: chr4-16077527-C-T.
Other names: c.3G>A, p.Met1Ile (NM_001145847.2, NM_001145848.2, NM_001145849.2 and 6 more transcripts); short protein forms M1I.
Identifiers: ClinVar variation 2203538 (VCV002203538.5), dbSNP rs2531588221, ClinGen allele CA356438409.

ClinVar aggregate classification (germline): Pathogenic (1 of 4 stars; one submission).

Allele frequency attached by ClinVar (database versions not stated): gnomAD exomes below 0.00001.

Submission:

Labcorp Genetics (formerly Invitae), Labcorp
Classification: Pathogenic. Last evaluated: 2024-10-16. Review status: criteria provided, single submitter. Criteria: Invitae Variant Classification Sherloc (09022015). Collection method: clinical testing. Allele origin: germline.
Comment: This sequence change affects the initiator methionine of the PROM1 mRNA. The next in-frame methionine is located at codon 123. This variant is not present in population databases (gnomAD no frequency). Disruption of the initiator codon has been observed in individual(s) with autosomal recessive cone-rod dystrophy (PMID: 28181551). In at least one individual the data is consistent with being in trans (on the opposite chromosome) from a pathogenic variant. ClinVar contains an entry for this variant (Variation ID: 2203538). This variant disrupts a region of the PROM1 protein in which other variant(s) (p.Tyr105Cys) have been determined to be pathogenic (PMID: 31129250; internal data). This suggests that this is a clinically significant region of the protein, and that variants that disrupt it are likely to be disease-causing. For these reasons, this variant has been classified as Pathogenic.

Literature cited by the submitters: PubMed 28181551; PubMed 31129250.